The following is an entry in ClinVar:

NM_001184.4(ATR):c.6970A>G (p.Met2324Val)

Gene: ATR (ATR serine/threonine kinase; minus strand). Cytogenetic location: 3q23.
Variant type: single nucleotide variant.
Coding change: c.6970A>G on transcript NM_001184.4 (MANE Select); coding-DNA position 6970, A replaced by G.
Protein change: p.Met2324Val; replaces methionine 2324 with valine.
Molecular consequence: missense variant.
Genome position (GRCh38, 1-based): chr3:142,465,168, T>C on the plus strand (A>G on the coding strand, the complement: ATR is on the minus strand). VCF-style: chr3-142465168-T-C. GRCh37 (hg19) VCF-style: chr3-142184010-T-C.
Other names: c.6778A>G, p.Met2260Val (NM_001354579.2); short protein forms M2260V, M2324V.
Identifiers: ClinVar variation 3462262 (VCV003462262.1).

ClinVar aggregate classification (germline): Uncertain significance (1 of 4 stars; one submission).

Conditions:
Inborn genetic diseases. Identifiers: MedGen C0950123, MeSH D030342.

Submission:

Ambry Genetics
Classification: Uncertain significance for Inborn genetic diseases. Last evaluated: 2024-06-25. Review status: criteria provided, single submitter. Criteria: Ambry Variant Classification Scheme 2023. Collection method: clinical testing. Allele origin: germline.
Comment: The p.M2324V variant (also known as c.6970A>G), located in coding exon 41 of the ATR gene, results from an A to G substitution at nucleotide position 6970. The methionine at codon 2324 is replaced by valine, an amino acid with highly similar properties. This amino acid position is conserved. In addition, this alteration is predicted to be deleterious by in silico analysis. Based on the available evidence, the clinical significance of this variant remains unclear.